The following is an entry in ClinVar:

NM_017617.5(NOTCH1):c.3662A>C (p.Asn1221Thr)

Gene: NOTCH1 (notch receptor 1; minus strand). Cytogenetic location: 9q34.3.
Variant type: single nucleotide variant.
Coding change: c.3662A>C on transcript NM_017617.5 (MANE Select); coding-DNA position 3662, A replaced by C.
Protein change: p.Asn1221Thr; replaces asparagine 1221 with threonine.
Molecular consequence: missense variant.
Genome position (GRCh38, 1-based): chr9:136,506,955, T>G on the plus strand (A>C on the coding strand, the complement: NOTCH1 is on the minus strand). VCF-style: chr9-136506955-T-G. GRCh37 (hg19) VCF-style: chr9-139401407-T-G.
Other names: short protein forms N1221T.
Identifiers: ClinVar variation 5007420 (VCV005007420.2).

ClinVar aggregate classification (germline): Uncertain significance (1 of 4 stars; one submission).

Conditions:
Aortic valve disease 1 (AOVD1). Identifiers: MedGen C3887892, MONDO:0024523, OMIM 109730.
Adams-Oliver syndrome 5 (AOS5). Identifiers: Orphanet 974, MedGen C4014970, MONDO:0014459, OMIM 616028.

Submission:

Juno Genomics, Hangzhou Juno Genomics, Inc
Classification: Uncertain significance for Adams-Oliver syndrome 5; Aortic valve disease 1. Review status: criteria provided, single submitter. Criteria: ACMG Guidelines, 2015. Collection method: clinical testing. Allele origin: germline.
Comment: Missense variant in a gene that has a low rate of benign missense variation.;Multiple lines of computational evidence support a deleterious effect on the gene or gene product.;Absent from controls (or at extremely low frequency if recessive) in Genome Aggregation Database.